The following is an entry in ClinVar:

NM_198578.4(LRRK2):c.1246C>T (p.Gln416Ter)

Gene: LRRK2 (leucine rich repeat kinase 2; plus strand). Cytogenetic location: 12q12.
Variant type: single nucleotide variant.
Coding change: c.1246C>T on transcript NM_198578.4 (MANE Select); coding-DNA position 1246, C replaced by T.
Protein change: p.Gln416Ter; replaces glutamine 416 with a stop codon.
Molecular consequence: nonsense.
Genome position (GRCh38, 1-based): chr12:40,252,974, C>T. VCF-style: chr12-40252974-C-T. GRCh37 (hg19) VCF-style: chr12-40646776-C-T.
Other names: short protein forms Q416*.
Identifiers: ClinVar variation 452768 (VCV000452768.3), dbSNP rs1555176408, ClinGen allele CA384409479.

ClinVar aggregate classification (germline): Uncertain significance (1 of 4 stars; one submission).

Submission:

GeneDx
Classification: Uncertain significance. Last evaluated: 2024-12-10. Review status: criteria provided, single submitter. Criteria: GeneDx Variant Classification Process June 2021. Collection method: clinical testing. Allele origin: germline. Affected: yes.
Comment: Not observed at significant frequency in large population cohorts (gnomAD); Nonsense variant predicted to result in protein truncation or nonsense mediated decay in a gene or region of a gene for which loss of function is not a well-established mechanism of disease; Has not been previously published as pathogenic or benign to our knowledge; This variant is associated with the following publications: (PMID: 38854119)